The following is an entry in ClinVar:

ClinVar aggregate classification (germline): Pathogenic/Likely pathogenic. Review status: criteria provided, multiple submitters, no conflicts (2 of 4 stars). 3 submissions from 3 submitters: Pathogenic (1); Likely pathogenic (2). Last evaluated 2024-05-02.

Conditions:
LAMA3-related disorder. Also called: LAMA3-related condition; LAMA3-related disorders.
Junctional epidermolysis bullosa. Identifiers: Orphanet 305, MedGen C0079301, MONDO:0017612.

Allele frequency attached by ClinVar (database versions not stated): ExAC 0.00002; gnomAD 0.00003.

Submissions (4):

Molecular Diagnostics Laboratory, M Health Fairview: University of Minnesota
Classification: Likely pathogenic for Junctional epidermolysis bullosa. Last evaluated: 2024-05-02. Review status: criteria provided, single submitter. Criteria: ACMG Guidelines, 2015. Collection method: clinical testing. Allele origin: germline. Affected: yes.
Comment: seen in trans with a pathogenic LAMA3 variant

Labcorp Genetics (formerly Invitae), Labcorp
Classification: Pathogenic. Last evaluated: 2023-09-29. Review status: criteria provided, single submitter. Criteria: Invitae Variant Classification Sherloc (09022015). Collection method: clinical testing. Allele origin: germline.
Comment: This sequence change replaces lysine, which is basic and polar, with asparagine, which is neutral and polar, at codon 1605 of the LAMA3 protein (p.Lys1605Asn). This variant also falls at the last nucleotide of exon 35, which is part of the consensus splice site for this exon. This variant is present in population databases (rs779131897, gnomAD 0.04%). This missense change has been observed in individual(s) with Junctional epidermolysis bullosa (PMID: 11907499). This variant is also known as K1594N. An algorithm developed to predict the effect of missense changes on protein structure and function (PolyPhen-2) suggests that this variant is likely to be disruptive. Variants that disrupt the consensus splice site are a relatively common cause of aberrant splicing (PMID: 17576681, 9536098). Studies have shown that this missense change is associated with altered splicing resulting in multiple RNA products (PMID: 11907499). For these reasons, this variant has been classified as Pathogenic.

Blueprint Genetics
Classification: Likely pathogenic for LAMA3-related disorders. Last evaluated: 2022-07-15. Review status: criteria provided, single submitter. Criteria: ACMG Guidelines, 2015. Collection method: clinical testing. Allele origin: germline. Affected: yes. Observed: 5 variant alleles.

Dr. Peter K. Rogan Lab, Western University
No classification provided (evidence only). Condition: Melanoma. Review status: no classification provided. Collection method: in vitro. Allele origin: not applicable. Functional consequence: retained intron. Not counted in ClinVar's aggregate classification.

Literature cited by the submitters: PubMed 11907499 (cited by Labcorp Genetics (formerly Invitae), Labcorp); PubMed 17576681 (cited by Labcorp Genetics (formerly Invitae), Labcorp); PubMed 9536098 (cited by Labcorp Genetics (formerly Invitae), Labcorp).

NM_198129.4(LAMA3):c.9642G>T (p.Lys3214Asn)

Gene: LAMA3 (laminin subunit alpha 3; plus strand). Cytogenetic location: 18q11.2.
Variant type: single nucleotide variant.
Coding change: c.9642G>T on transcript NM_198129.4 (MANE Select); coding-DNA position 9642, G replaced by T.
Protein change: p.Lys3214Asn; replaces lysine 3214 with asparagine.
Molecular consequence: missense variant.
Genome position (GRCh38, 1-based): chr18:23,950,159, G>T. VCF-style: chr18-23950159-G-T. GRCh37 (hg19) VCF-style: chr18-21530123-G-T.
Other names: p.Lys3214Asn; c.4815G>T, p.Lys1605Asn (NM_000227.6); c.9474G>T, p.Lys3158Asn (NM_001127717.4); c.4647G>T, p.Lys1549Asn (NM_001127718.4); short protein forms K1605N, K3214N, K1549N, K3158N.
Identifiers: ClinVar variation 2726163 (VCV002726163.6), dbSNP rs779131897, ClinGen allele CA8917248.